The following is an entry in ClinVar:

NM_021147.5(CCNO):c.370C>T (p.Arg124Trp)

Gene: CCNO (cyclin O; minus strand). Cytogenetic location: 5q11.2.
Variant type: single nucleotide variant.
Coding change: c.370C>T on transcript NM_021147.5 (MANE Select); coding-DNA position 370, C replaced by T.
Protein change: p.Arg124Trp; replaces arginine 124 with tryptophan.
Molecular consequence: missense variant. On other transcripts: non-coding transcript variant (2).
Genome position (GRCh38, 1-based): chr5:55,233,154, G>A on the plus strand (C>T on the coding strand, the complement: CCNO is on the minus strand). VCF-style: chr5-55233154-G-A. GRCh37 (hg19) VCF-style: chr5-54528982-G-A.
Other names: c.370C>T (NM_021147.3); short protein forms R124W.
Identifiers: ClinVar variation 2057281 (VCV002057281.5), dbSNP rs1017115994, ClinGen allele CA118944930.

ClinVar aggregate classification (germline): Uncertain significance. Review status: criteria provided, multiple submitters, no conflicts (2 of 4 stars). 2 submissions from 2 submitters: Uncertain significance (2). Last evaluated 2025-05-20.

Conditions:
Inborn genetic diseases. Identifiers: MedGen C0950123, MeSH D030342.
Primary ciliary dyskinesia. Also called: Ciliary dyskinesia. Identifiers: Orphanet 244, MedGen C0008780, MONDO:0016575, HP:0012265.

Allele frequency attached by ClinVar (database versions not stated): TOPMed below 0.00001; gnomAD 0.00001.
gnomAD v4.1: 7 of 1,543,826 alleles (0.00045%); highest among the groups gnomAD compares: Middle Eastern, 0.018%; no homozygotes.

Submissions (2):

Ambry Genetics
Classification: Uncertain significance for Inborn genetic diseases. Last evaluated: 2025-05-20. Review status: criteria provided, single submitter. Criteria: Ambry Variant Classification Scheme 2023. Collection method: clinical testing. Allele origin: germline.

Labcorp Genetics (formerly Invitae), Labcorp
Classification: Uncertain significance for Primary ciliary dyskinesia. Last evaluated: 2022-08-22. Review status: criteria provided, single submitter. Criteria: Invitae Variant Classification Sherloc (09022015). Collection method: clinical testing. Allele origin: germline.
Comment: In summary, the available evidence is currently insufficient to determine the role of this variant in disease. Therefore, it has been classified as a Variant of Uncertain Significance. Algorithms developed to predict the effect of missense changes on protein structure and function are either unavailable or do not agree on the potential impact of this missense change (SIFT: "Deleterious"; PolyPhen-2: "Not Available"; Align-GVGD: "Class C0"). This variant has not been reported in the literature in individuals affected with CCNO-related conditions. This variant is not present in population databases (gnomAD no frequency). This sequence change replaces arginine, which is basic and polar, with tryptophan, which is neutral and slightly polar, at codon 124 of the CCNO protein (p.Arg124Trp).